The following is an entry in ClinVar:

ClinVar aggregate classification (germline): Uncertain significance (1 of 4 stars; one submission).

Allele frequency attached by ClinVar (database versions not stated): TOPMed 0.00001.

Submission:

Labcorp Genetics (formerly Invitae), Labcorp
Classification: Uncertain significance. Last evaluated: 2024-04-08. Review status: criteria provided, single submitter. Criteria: Invitae Variant Classification Sherloc (09022015). Collection method: clinical testing. Allele origin: germline.
Comment: This sequence change replaces threonine, which is neutral and polar, with alanine, which is neutral and non-polar, at codon 871 of the ALPK3 protein (p.Thr871Ala). This variant is not present in population databases (gnomAD no frequency). This variant has not been reported in the literature in individuals affected with ALPK3-related conditions. Algorithms developed to predict the effect of missense changes on protein structure and function output the following: SIFT: "Not Available"; PolyPhen-2: "Benign"; Align-GVGD: "Not Available". The alanine amino acid residue is found in multiple mammalian species, which suggests that this missense change does not adversely affect protein function. In summary, the available evidence is currently insufficient to determine the role of this variant in disease. Therefore, it has been classified as a Variant of Uncertain Significance.

NM_020778.5(ALPK3):c.2005A>G (p.Thr669Ala)

Gene: ALPK3 (alpha kinase 3; plus strand). Cytogenetic location: 15q25.3.
Variant type: single nucleotide variant.
Coding change: c.2005A>G on transcript NM_020778.5 (MANE Select); coding-DNA position 2005, A replaced by G.
Protein change: p.Thr669Ala; replaces threonine 669 with alanine.
Molecular consequence: missense variant.
Genome position (GRCh38, 1-based): chr15:84,856,743, A>G. VCF-style: chr15-84856743-A-G. GRCh37 (hg19) VCF-style: chr15-85399974-A-G.
Other names: short protein forms T669A.
Identifiers: ClinVar variation 2804132 (VCV002804132.3), dbSNP rs1596154965, ClinGen allele CA393355576.
Genomic context (GRCh38, chr15:84,856,743, plus strand): 5'-AAGAGGCCACAGTCAGACAGGAGTGCACAGAAGGGCATGATGACACAGGGAAGGGCAGAG[A>G]CACAGCTAGAAACAACACAGGCAGGTGAGAAGATACAGGAAGACAGGAAGGCCCAGGCAG-3'
Protein context (NP_065829.4, residues 659-679): KGMMTQGRAE[Thr669Ala]QLETTQAGEK